The following is an entry in ClinVar:

NM_004036.5(ADCY3):c.172G>T (p.Val58Leu)

Gene: ADCY3 (adenylate cyclase 3; minus strand). Cytogenetic location: 2p23.3.
Variant type: single nucleotide variant.
Coding change: c.172G>T on transcript NM_004036.5 (MANE Select); coding-DNA position 172, G replaced by T.
Protein change: p.Val58Leu; replaces valine 58 with leucine.
Molecular consequence: missense variant.
Genome position (GRCh38, 1-based): chr2:24,918,816, C>A on the plus strand (G>T on the coding strand, the complement: ADCY3 is on the minus strand). VCF-style: chr2-24918816-C-A. GRCh37 (hg19) VCF-style: chr2-25141685-C-A.
Other names: c.172G>T, p.Val58Leu (NM_001320613.2, NM_001377128.1, NM_001377129.1 and 2 more transcripts); short protein forms V58L.
Identifiers: ClinVar variation 3358345 (VCV003358345.2).

ClinVar aggregate classification (germline): Uncertain significance (1 of 4 stars; one submission).

Conditions:
ADCY3-related disorder. Also called: ADCY3-related condition.

gnomAD v4.1: 6 of 1,613,632 alleles (0.00037%); highest among the groups gnomAD compares: African/African-American, 0.008%; no homozygotes.

Submission:

PreventionGenetics, part of Exact Sciences
Classification: Uncertain significance for ADCY3-related condition. Last evaluated: 2025-10-17. Review status: criteria provided, single submitter. Criteria: ACMG Guidelines, 2015. Collection method: clinical testing. Allele origin: germline.
Comment: The ADCY3 c.172G>T variant is predicted to result in the amino acid substitution p.Val58Leu. To our knowledge, this variant has not been reported in the literature or in a large population database (gnomAD), indicating this variant is rare. At this time, the clinical significance of this variant is uncertain due to the absence of conclusive functional and genetic evidence.